The following is an entry in ClinVar:

ClinVar aggregate classification (germline): Conflicting classifications of pathogenicity. Review status: criteria provided, conflicting classifications (1 of 4 stars). 6 submissions from 6 submitters: Uncertain significance (1); Likely benign (4). 1 of the submissions does not count toward it. Last evaluated 2026-02-04.

Conditions:
LRP2-related disorder. Also called: LRP2-related condition.
Donnai-Barrow syndrome. Also called: DBS/FOAR SYNDROME; FACIOOCULOACOUSTICORENAL SYNDROME. Identifiers: Orphanet 2143, MedGen C1857277, MONDO:0009104, OMIM 222448.
Inborn genetic diseases. Identifiers: MedGen C0950123, MeSH D030342.

Allele frequency attached by ClinVar (database versions not stated): 1000 Genomes Project 30x 0.00016; 1000 Genomes Project 0.00020; TOPMed 0.00039; gnomAD 0.00045 and 0.00047; ESP Exome Variant Server 0.00046; gnomAD exomes 0.00062 and 0.00077; ExAC 0.00082.
gnomAD v4.1: 1,173 of 1,614,106 alleles (0.073%); highest among the groups gnomAD compares: Non-Finnish European, 0.091%; no homozygotes.

Submissions (6):

Labcorp Genetics (formerly Invitae), Labcorp
Classification: Likely benign. Last evaluated: 2026-02-04. Review status: criteria provided, single submitter. Criteria: Invitae Variant Classification Sherloc (09022015). Collection method: clinical testing. Allele origin: germline.

Blueprint Genetics
Classification: Likely benign. Last evaluated: 2024-10-10. Review status: criteria provided, single submitter. Criteria: ACMG Guidelines, 2015. Collection method: clinical testing. Allele origin: germline.

Ambry Genetics
Classification: Likely benign for Inborn genetic diseases. Last evaluated: 2023-05-31. Review status: criteria provided, single submitter. Criteria: Ambry Variant Classification Scheme 2023. Collection method: clinical testing. Allele origin: germline.

Genome-Nilou Lab
Classification: Likely benign for Donnai-Barrow syndrome. Last evaluated: 2021-07-15. Review status: criteria provided, single submitter. Criteria: ACMG Guidelines, 2015. Collection method: clinical testing. Allele origin: germline. Affected: no.

Illumina Laboratory Services, Illumina
Classification: Uncertain significance for Donnai-Barrow syndrome. Last evaluated: 2018-01-13. Review status: criteria provided, single submitter. Criteria: ICSL Variant Classification Criteria 13 December 2019. Collection method: clinical testing. Allele origin: germline.

PreventionGenetics, part of Exact Sciences
Classification: Likely benign for LRP2-related condition. Last evaluated: 2024-09-04. Review status: no assertion criteria provided. Collection method: clinical testing. Allele origin: germline. Not counted in ClinVar's aggregate classification.
Comment: This variant is classified as likely benign based on ACMG/AMP sequence variant interpretation guidelines (Richards et al. 2015 PMID: 25741868, with internal and published modifications).

NM_004525.3(LRP2):c.7866C>T (p.Asp2622=)

Gene: LRP2 (LDL receptor related protein 2; minus strand). Cytogenetic location: 2q31.1.
Variant type: single nucleotide variant.
Coding change: c.7866C>T on transcript NM_004525.3 (MANE Select); coding-DNA position 7866, C replaced by T.
Protein change: p.Asp2622=; no amino-acid change (aspartic acid 2622 retained).
Molecular consequence: synonymous variant.
Genome position (GRCh38, 1-based): chr2:169,204,121, G>A on the plus strand (C>T on the coding strand, the complement: LRP2 is on the minus strand). VCF-style: chr2-169204121-G-A. GRCh37 (hg19) VCF-style: chr2-170060631-G-A.
Identifiers: ClinVar variation 332130 (VCV000332130.23), dbSNP rs139514301, ClinGen allele CA1953991.